The following is an entry in ClinVar:

ClinVar aggregate classification (germline): Uncertain significance (1 of 4 stars; one submission).

Allele frequency attached by ClinVar (database versions not stated): gnomAD 0.00001.
gnomAD v4.1: 1 of 1,442,780 alleles (0.000069%); highest among the groups gnomAD compares: East Asian, 0.0029%; no homozygotes.

Submission:

GeneDx
Classification: Uncertain significance. Last evaluated: 2021-03-01. Review status: criteria provided, single submitter. Criteria: GeneDx Variant Classification Process June 2021. Collection method: clinical testing. Allele origin: germline. Affected: yes.
Comment: Not observed in large population cohorts (Lek et al., 2016); In silico analysis supports that this missense variant does not alter protein structure/function; Has not been previously published as pathogenic or benign to our knowledge

NM_025216.3(WNT10A):c.937G>C (p.Gly313Arg)

Gene: WNT10A (Wnt family member 10A; plus strand). Cytogenetic location: 2q35.
Variant type: single nucleotide variant.
Coding change: c.937G>C on transcript NM_025216.3 (MANE Select); coding-DNA position 937, G replaced by C.
Protein change: p.Gly313Arg; replaces glycine 313 with arginine.
Molecular consequence: missense variant.
Genome position (GRCh38, 1-based): chr2:218,892,954, G>C. VCF-style: chr2-218892954-G-C. GRCh37 (hg19) VCF-style: chr2-219757676-G-C.
Other names: short protein forms G313R.
Identifiers: ClinVar variation 1304217 (VCV001304217.2), dbSNP rs1018397067, ClinGen allele CA350590277.